The following is an entry in ClinVar:

ClinVar aggregate classification (germline): Uncertain significance (1 of 4 stars; one submission).

Allele frequency attached by ClinVar (database versions not stated): gnomAD exomes 0.00001; TOPMed 0.00001; gnomAD 0.00003.
gnomAD v4.1: 13 of 1,613,480 alleles (0.00081%); highest among the groups gnomAD compares: Admixed American, 0.005%; no homozygotes.

Submission:

Labcorp Genetics (formerly Invitae), Labcorp
Classification: Uncertain significance. Last evaluated: 2022-06-20. Review status: criteria provided, single submitter. Criteria: Invitae Variant Classification Sherloc (09022015). Collection method: clinical testing. Allele origin: germline.
Comment: Algorithms developed to predict the effect of missense changes on protein structure and function (SIFT, PolyPhen-2, Align-GVGD) all suggest that this variant is likely to be disruptive. In summary, the available evidence is currently insufficient to determine the role of this variant in disease. Therefore, it has been classified as a Variant of Uncertain Significance. This variant has not been reported in the literature in individuals affected with TUBA8-related conditions. This variant is present in population databases (no rsID available, gnomAD 0.009%). This sequence change replaces arginine, which is basic and polar, with tryptophan, which is neutral and slightly polar, at codon 123 of the TUBA8 protein (p.Arg123Trp).

NM_018943.3(TUBA8):c.367C>T (p.Arg123Trp)

Gene: TUBA8 (tubulin alpha 8; plus strand). Cytogenetic location: 22q11.21.
Variant type: single nucleotide variant.
Coding change: c.367C>T on transcript NM_018943.3 (MANE Select); coding-DNA position 367, C replaced by T.
Protein change: p.Arg123Trp; replaces arginine 123 with tryptophan.
Molecular consequence: missense variant.
Genome position (GRCh38, 1-based): chr22:18,124,296, C>T. VCF-style: chr22-18124296-C-T. GRCh37 (hg19) VCF-style: chr22-18607063-C-T.
Other names: c.169C>T, p.Arg57Trp (NM_001193414.2); short protein forms R123W, R57W.
Identifiers: ClinVar variation 1390565 (VCV001390565.9), dbSNP rs1351217486, ClinGen allele CA410262390.